The following is an entry in ClinVar:

ClinVar aggregate classification (germline): Uncertain significance (1 of 4 stars; one submission).

Submission:

Labcorp Genetics (formerly Invitae), Labcorp
Classification: Uncertain significance. Last evaluated: 2023-08-02. Review status: criteria provided, single submitter. Criteria: Invitae Variant Classification Sherloc (09022015). Collection method: clinical testing. Allele origin: germline.
Comment: In summary, the available evidence is currently insufficient to determine the role of this variant in disease. Therefore, it has been classified as a Variant of Uncertain Significance. Advanced modeling of protein sequence and biophysical properties (such as structural, functional, and spatial information, amino acid conservation, physicochemical variation, residue mobility, and thermodynamic stability) performed at Invitae indicates that this missense variant is not expected to disrupt POLE protein function. ClinVar contains an entry for this variant (Variation ID: 1046622). This variant has not been reported in the literature in individuals affected with POLE-related conditions. This variant is not present in population databases (gnomAD no frequency). This sequence change replaces alanine, which is neutral and non-polar, with glycine, which is neutral and non-polar, at codon 252 of the POLE protein (p.Ala252Gly).

NM_006231.4(POLE):c.755C>G (p.Ala252Gly)

Gene: POLE (DNA polymerase epsilon, catalytic subunit; minus strand). Cytogenetic location: 12q24.33.
Variant type: single nucleotide variant.
Coding change: c.755C>G on transcript NM_006231.4 (MANE Select); coding-DNA position 755, C replaced by G.
Protein change: p.Ala252Gly; replaces alanine 252 with glycine.
Molecular consequence: missense variant.
Genome position (GRCh38, 1-based): chr12:132,677,409, G>C on the plus strand (C>G on the coding strand, the complement: POLE is on the minus strand). VCF-style: chr12-132677409-G-C. GRCh37 (hg19) VCF-style: chr12-133253995-G-C.
Other names: short protein forms A252G.
Identifiers: ClinVar variation 1046622 (VCV001046622.8), dbSNP rs5744751, ClinGen allele CA387364489.